The following is an entry in ClinVar:

NM_002911.4(UPF1):c.547T>C (p.Cys183Arg)

Gene: UPF1 (UPF1 RNA helicase and ATPase; plus strand). Cytogenetic location: 19p13.11.
Variant type: single nucleotide variant.
Coding change: c.547T>C on transcript NM_002911.4 (MANE Select); coding-DNA position 547, T replaced by C.
Protein change: p.Cys183Arg; replaces cysteine 183 with arginine.
Molecular consequence: missense variant.
Genome position (GRCh38, 1-based): chr19:18,850,160, T>C. VCF-style: chr19-18850160-T-C. GRCh37 (hg19) VCF-style: chr19-18960969-T-C.
Other names: c.547T>C, p.Cys183Arg (NM_001297549.2); short protein forms C183R.
Identifiers: ClinVar variation 3392708 (VCV003392708.1).

ClinVar aggregate classification (germline): Uncertain significance (1 of 4 stars; one submission).

Submission:

GeneDx
Classification: Uncertain significance. Last evaluated: 2024-06-24. Review status: criteria provided, single submitter. Criteria: GeneDx Variant Classification Process June 2021. Collection method: clinical testing. Allele origin: germline. Affected: yes.
Comment: Not observed at significant frequency in large population cohorts (gnomAD); In silico analysis supports that this missense variant has a deleterious effect on protein structure/function; Has not been previously published as pathogenic or benign to our knowledge